The following is an entry in ClinVar:

ClinVar aggregate classification (germline): Uncertain significance (1 of 4 stars; one submission).

Conditions:
Retinoblastoma (RB1). Also called: RETINOBLASTOMA, SOMATIC. Identifiers: Orphanet 790, MedGen C0035335, MeSH D012175, MONDO:0008380, OMIM 180200, HP:0009919. Disease mechanism: loss of function. Inheritance: Both sporadic and heritable forms are tested..

Submission:

Labcorp Genetics (formerly Invitae), Labcorp
Classification: Uncertain significance for Retinoblastoma. Last evaluated: 2024-05-27. Review status: criteria provided, single submitter. Criteria: Invitae Variant Classification Sherloc (09022015). Collection method: clinical testing. Allele origin: germline.
Comment: This sequence change replaces histidine, which is basic and polar, with asparagine, which is neutral and polar, at codon 549 of the RB1 protein (p.His549Asn). This variant is not present in population databases (gnomAD no frequency). This variant has not been reported in the literature in individuals affected with RB1-related conditions. ClinVar contains an entry for this variant (Variation ID: 646211). Advanced modeling of protein sequence and biophysical properties (such as structural, functional, and spatial information, amino acid conservation, physicochemical variation, residue mobility, and thermodynamic stability) performed at Invitae indicates that this missense variant is expected to disrupt RB1 protein function with a positive predictive value of 80%. In summary, the available evidence is currently insufficient to determine the role of this variant in disease. Therefore, it has been classified as a Variant of Uncertain Significance.

NM_000321.3(RB1):c.1645C>A (p.His549Asn)

Gene: RB1 (RB transcriptional corepressor 1; plus strand). Cytogenetic location: 13q14.2.
Variant type: single nucleotide variant.
Coding change: c.1645C>A on transcript NM_000321.3 (MANE Select); coding-DNA position 1645, C replaced by A.
Protein change: p.His549Asn; replaces histidine 549 with asparagine.
Molecular consequence: missense variant.
Genome position (GRCh38, 1-based): chr13:48,381,393, C>A. VCF-style: chr13-48381393-C-A. GRCh37 (hg19) VCF-style: chr13-48955529-C-A.
Other names: short protein forms H549N.
Identifiers: ClinVar variation 646211 (VCV000646211.8), dbSNP rs1050717570, ClinGen allele CA388163896.